The following is an entry in ClinVar:

ClinVar aggregate classification (germline): Likely benign. Review status: criteria provided, multiple submitters, no conflicts (2 of 4 stars). 3 submissions from 3 submitters: Likely benign (2). 1 of the submissions does not count toward it. Last evaluated 2025-12-08.

Conditions:
PCNT-related disorder. Also called: PCNT-related condition.

Allele frequency attached by ClinVar (database versions not stated): gnomAD exomes 0.00002; ExAC 0.00005; TOPMed 0.00009; gnomAD 0.00010; ESP Exome Variant Server 0.00015.
gnomAD v4.1: 50 of 1,613,522 alleles (0.0031%); highest among the groups gnomAD compares: African/African-American, 0.025%; no homozygotes.

Submissions (3):

Labcorp Genetics (formerly Invitae), Labcorp
Classification: Likely benign. Last evaluated: 2025-12-08. Review status: criteria provided, single submitter. Criteria: Invitae Variant Classification Sherloc (09022015). Collection method: clinical testing. Allele origin: germline.

Blueprint Genetics
Classification: Likely benign. Last evaluated: 2023-11-30. Review status: criteria provided, single submitter. Criteria: ACMG Guidelines, 2015. Collection method: clinical testing. Allele origin: germline.

PreventionGenetics, part of Exact Sciences
Classification: Likely benign for PCNT-related condition. Last evaluated: 2023-10-26. Review status: no assertion criteria provided. Collection method: clinical testing. Allele origin: germline. Not counted in ClinVar's aggregate classification.
Comment: This variant is classified as likely benign based on ACMG/AMP sequence variant interpretation guidelines (Richards et al. 2015 PMID: 25741868, with internal and published modifications).

NM_006031.6(PCNT):c.2751G>A (p.Ala917=)

Gene: PCNT (pericentrin; plus strand). Cytogenetic location: 21q22.3.
Variant type: single nucleotide variant.
Coding change: c.2751G>A on transcript NM_006031.6 (MANE Select); coding-DNA position 2751, G replaced by A.
Protein change: p.Ala917=; no amino-acid change (alanine 917 retained).
Molecular consequence: synonymous variant.
Genome position (GRCh38, 1-based): chr21:46,366,725, G>A. VCF-style: chr21-46366725-G-A. GRCh37 (hg19) VCF-style: chr21-47786640-G-A.
Other names: c.2751G>A (NM_006031.5); c.2397G>A, p.Ala799= (NM_001315529.2).
Identifiers: ClinVar variation 2901993 (VCV002901993.6), dbSNP rs147495565, ClinGen allele CA10079086.